The following is an entry in ClinVar:

NM_004958.4(MTOR):c.2638A>G (p.Thr880Ala)

Gene: MTOR (mechanistic target of rapamycin kinase; minus strand). Cytogenetic location: 1p36.22.
Variant type: single nucleotide variant.
Coding change: c.2638A>G on transcript NM_004958.4 (MANE Select); coding-DNA position 2638, A replaced by G.
Protein change: p.Thr880Ala; replaces threonine 880 with alanine.
Molecular consequence: missense variant.
Genome position (GRCh38, 1-based): chr1:11,231,311, T>C on the plus strand (A>G on the coding strand, the complement: MTOR is on the minus strand). VCF-style: chr1-11231311-T-C. GRCh37 (hg19) VCF-style: chr1-11291368-T-C.
Other names: c.2638A>G, p.Thr880Ala (NM_001386500.1); c.1390A>G, p.Thr464Ala (NM_001386501.1); short protein forms T464A, T880A.
Identifiers: ClinVar variation 1995761 (VCV001995761.4), dbSNP rs745558220, ClinGen allele CA590431.

ClinVar aggregate classification (germline): Uncertain significance (1 of 4 stars; one submission).

Allele frequency attached by ClinVar (database versions not stated): ExAC 0.00001; gnomAD exomes 0.00001.
gnomAD v4.1: 3 of 1,614,116 alleles (0.00019%); highest among the groups gnomAD compares: Admixed American, 0.0033%; no homozygotes.

Submission:

Labcorp Genetics (formerly Invitae), Labcorp
Classification: Uncertain significance. Last evaluated: 2025-10-03. Review status: criteria provided, single submitter. Criteria: Invitae Variant Classification Sherloc (09022015). Collection method: clinical testing. Allele origin: germline.
Comment: This sequence change replaces threonine, which is neutral and polar, with alanine, which is neutral and non-polar, at codon 880 of the MTOR protein (p.Thr880Ala). This variant is present in population databases (rs745558220, gnomAD 0.006%). This variant has not been reported in the literature in individuals affected with MTOR-related conditions. ClinVar contains an entry for this variant (Variation ID: 1995761). Invitae Evidence Modeling of protein sequence and biophysical properties (such as structural, functional, and spatial information, amino acid conservation, physicochemical variation, residue mobility, and thermodynamic stability) indicates that this missense variant is not expected to disrupt MTOR protein function with a negative predictive value of 95%. In summary, the available evidence is currently insufficient to determine the role of this variant in disease. Therefore, it has been classified as a Variant of Uncertain Significance.